The following is an entry in ClinVar:

ClinVar aggregate classification (germline): Pathogenic (1 of 4 stars; one submission).

Conditions:
Wolman disease (WOLD). Also called: Acid cholesteryl ester hydrolase deficiency, Wolman type; Acid lipase disease; Wolman disease with hypolipoproteinemia and acanthocytosis; LYSOSOMAL ACID LIPASE DEFICIENCY, ACUTE INFANTILE; LYSOSOMAL ACID LIPASE DEFICIENCY, COMPLETE; LIPA DEFICIENCY, COMPLETE. Identifiers: Orphanet 75233, MedGen C0043208, MONDO:0019148, OMIM 620151.

Submission:

Labcorp Genetics (formerly Invitae), Labcorp
Classification: Pathogenic for Wolman disease. Last evaluated: 2021-01-08. Review status: criteria provided, single submitter. Criteria: Invitae Variant Classification Sherloc (09022015). Collection method: clinical testing. Allele origin: germline.
Comment: This sequence change creates a premature translational stop signal (p.Leu219*) in the LIPA gene. It is expected to result in an absent or disrupted protein product. This variant is not present in population databases (ExAC no frequency). This variant has not been reported in the literature in individuals with LIPA-related disease. Loss-of-function variants in LIPA are known to be pathogenic (PMID: 23485521). For these reasons, this variant has been classified as Pathogenic.

Literature cited by the submitters: PubMed 23485521.

NM_000235.4(LIPA):c.656T>G (p.Leu219Ter)

Gene: LIPA (lipase A, lysosomal acid type; minus strand). Cytogenetic location: 10q23.31.
Variant type: single nucleotide variant.
Coding change: c.656T>G on transcript NM_000235.4 (MANE Select); coding-DNA position 656, T replaced by G.
Protein change: p.Leu219Ter; replaces leucine 219 with a stop codon.
Molecular consequence: nonsense.
Genome position (GRCh38, 1-based): chr10:89,225,111, A>C on the plus strand (T>G on the coding strand, the complement: LIPA is on the minus strand). VCF-style: chr10-89225111-A-C. GRCh37 (hg19) VCF-style: chr10-90984868-A-C.
Other names: c.656T>G, p.Leu219Ter (NM_001127605.3); c.308T>G, p.Leu103Ter (NM_001288979.2); short protein forms L219*, L103*.
Identifiers: ClinVar variation 458507 (VCV000458507.8), dbSNP rs1554865576, ClinGen allele CA377517189.